The following is an entry in ClinVar:

NM_015346.4(ZFYVE26):c.4694A>G (p.Glu1565Gly)

Gene: ZFYVE26 (zinc finger FYVE-type containing 26; minus strand). Cytogenetic location: 14q24.1.
Variant type: single nucleotide variant.
Coding change: c.4694A>G on transcript NM_015346.4 (MANE Select); coding-DNA position 4694, A replaced by G.
Protein change: p.Glu1565Gly; replaces glutamic acid 1565 with glycine.
Molecular consequence: missense variant.
Genome position (GRCh38, 1-based): chr14:67,778,229, T>C on the plus strand (A>G on the coding strand, the complement: ZFYVE26 is on the minus strand). VCF-style: chr14-67778229-T-C. GRCh37 (hg19) VCF-style: chr14-68244946-T-C.
Other names: short protein forms E1565G.
Identifiers: ClinVar variation 1344200 (VCV001344200.7), dbSNP rs759468816, ClinGen allele CA7239688.

ClinVar aggregate classification (germline): Uncertain significance. Review status: criteria provided, multiple submitters, no conflicts (2 of 4 stars). 3 submissions from 3 submitters: Uncertain significance (3). Last evaluated 2025-03-17.

Conditions:
Hereditary spastic paraplegia 15 (SPG15). Also called: SPASTIC PARAPLEGIA 15, AUTOSOMAL RECESSIVE; SPASTIC PARAPLEGIA AND RETINAL DEGENERATION; KJELLIN SYNDROME. Identifiers: Orphanet 100996, MedGen C1849128, MONDO:0010044, OMIM 270700.
Spastic paraplegia. Identifiers: MedGen C0037772, HP:0001258.
Hereditary spastic paraplegia. Also called: Familial spastic paraparesis. Identifiers: Orphanet 685, MedGen C0037773, MONDO:0019064. Disease mechanism: loss of function.

Allele frequency attached by ClinVar (database versions not stated): ExAC 0.00002; gnomAD exomes 0.00002; TOPMed 0.00002; gnomAD 0.00004.
gnomAD v4.1: 16 of 1,614,046 alleles (0.00099%); highest among the groups gnomAD compares: Non-Finnish European, 0.0014%; no homozygotes.

Submissions (3):

Labcorp Genetics (formerly Invitae), Labcorp
Classification: Uncertain significance for Spastic paraplegia. Last evaluated: 2025-03-17. Review status: criteria provided, single submitter. Criteria: Invitae Variant Classification Sherloc (09022015). Collection method: clinical testing. Allele origin: germline.
Comment: This sequence change replaces glutamic acid, which is acidic and polar, with glycine, which is neutral and non-polar, at codon 1565 of the ZFYVE26 protein (p.Glu1565Gly). This variant is present in population databases (rs759468816, gnomAD 0.003%). This variant has not been reported in the literature in individuals affected with ZFYVE26-related conditions. ClinVar contains an entry for this variant (Variation ID: 1344200). An algorithm developed to predict the effect of missense changes on protein structure and function (PolyPhen-2) suggests that this variant is likely to be tolerated. In summary, the available evidence is currently insufficient to determine the role of this variant in disease. Therefore, it has been classified as a Variant of Uncertain Significance.

Fulgent Genetics
Classification: Uncertain significance for Hereditary spastic paraplegia 15. Last evaluated: 2021-07-11. Review status: criteria provided, single submitter. Criteria: ACMG Guidelines, 2015. Collection method: clinical testing. Allele origin: unknown.

Genome Diagnostics Laboratory, The Hospital for Sick Children
Classification: Uncertain significance for Hereditary spastic paraplegia. Last evaluated: 2016-12-12. Review status: criteria provided, single submitter. Criteria: ACMG Guidelines, 2015. Collection method: clinical testing. Allele origin: germline. Affected: yes.